The following is an entry in ClinVar:

NM_001735.3(C5):c.3728G>C (p.Gly1243Ala)

Gene: C5 (complement C5; minus strand). Cytogenetic location: 9q33.2.
Variant type: single nucleotide variant.
Coding change: c.3728G>C on transcript NM_001735.3 (MANE Select); coding-DNA position 3728, G replaced by C.
Protein change: p.Gly1243Ala; replaces glycine 1243 with alanine.
Molecular consequence: missense variant.
Genome position (GRCh38, 1-based): chr9:120,976,836, C>G on the plus strand (G>C on the coding strand, the complement: C5 is on the minus strand). VCF-style: chr9-120976836-C-G. GRCh37 (hg19) VCF-style: chr9-123739114-C-G.
Other names: c.3746G>C, p.Gly1249Ala (NM_001317163.2); c.3728G>C (NM_001735.2); short protein forms G1243A, G1249A.
Identifiers: ClinVar variation 1489846 (VCV001489846.6), dbSNP rs1416514501, ClinGen allele CA374726501.

ClinVar aggregate classification (germline): Uncertain significance. Review status: criteria provided, multiple submitters, no conflicts (2 of 4 stars). 2 submissions from 2 submitters: Uncertain significance (2). Last evaluated 2023-12-16.

Allele frequency attached by ClinVar (database versions not stated): gnomAD exomes 0.00001.
gnomAD v4.1: 9 of 1,614,070 alleles (0.00056%); highest among the groups gnomAD compares: Non-Finnish European, 0.00068%; no homozygotes.

Submissions (2):

Ambry Genetics
Classification: Uncertain significance. Last evaluated: 2023-12-16. Review status: criteria provided, single submitter. Criteria: Ambry Variant Classification Scheme 2023. Collection method: clinical testing. Allele origin: germline.

Labcorp Genetics (formerly Invitae), Labcorp
Classification: Uncertain significance. Last evaluated: 2021-08-31. Review status: criteria provided, single submitter. Criteria: Invitae Variant Classification Sherloc (09022015). Collection method: clinical testing. Allele origin: germline.
Comment: This sequence change replaces glycine with alanine at codon 1243 of the C5 protein (p.Gly1243Ala). The glycine residue is weakly conserved and there is a small physicochemical difference between glycine and alanine. This variant is not present in population databases (ExAC no frequency). This variant has not been reported in the literature in individuals affected with C5-related conditions. Algorithms developed to predict the effect of missense changes on protein structure and function output the following: SIFT: "Tolerated"; PolyPhen-2: "Benign"; Align-GVGD: "Class C0". The alanine amino acid residue is found in multiple mammalian species, which suggests that this missense change does not adversely affect protein function. In summary, the available evidence is currently insufficient to determine the role of this variant in disease. Therefore, it has been classified as a Variant of Uncertain Significance.